The following is an entry in ClinVar:

NM_005630.3(SLCO2A1):c.1279G>A (p.Glu427Lys)

Gene: SLCO2A1 (solute carrier organic anion transporter family member 2A1; minus strand). Cytogenetic location: 3q22.1.
Variant type: single nucleotide variant.
Coding change: c.1279G>A on transcript NM_005630.3 (MANE Select); coding-DNA position 1279, G replaced by A.
Protein change: p.Glu427Lys; replaces glutamic acid 427 with lysine.
Molecular consequence: missense variant.
Genome position (GRCh38, 1-based): chr3:133,947,272, C>T on the plus strand (G>A on the coding strand, the complement: SLCO2A1 is on the minus strand). VCF-style: chr3-133947272-C-T. GRCh37 (hg19) VCF-style: chr3-133666116-C-T.
Other names: short protein forms E427K.
Identifiers: ClinVar variation 1473592 (VCV001473592.6), dbSNP rs377719582, ClinGen allele CA2626531.
Genomic context (GRCh38, chr3:133,947,272, plus strand): 5'-CTGGCCTTATTAAAGGGGATCTCTCTACCCCTTATTCCCATTACCTAGGGGGGTAGACTT[C>T]GGCCACAGTTGGGGTGGAGCATCCCATGAAGAACAAAGGAACACAAAGGATCATGGAGAT-3'
Protein context (NP_005621.2, residues 417-437): FMGCSTPTVA[Glu427Lys]VYPPSTSSSI

ClinVar aggregate classification (germline): Uncertain significance (1 of 4 stars; one submission).

Allele frequency attached by ClinVar (database versions not stated): gnomAD exomes 0.00001 and 0.00002; TOPMed 0.00001; ExAC 0.00002; gnomAD 0.00002; ESP Exome Variant Server 0.00008.
gnomAD v4.1: 19 of 1,613,824 alleles (0.0012%); highest among the groups gnomAD compares: East Asian, 0.0045%; no homozygotes.

Submission:

Labcorp Genetics (formerly Invitae), Labcorp
Classification: Uncertain significance. Last evaluated: 2025-04-08. Review status: criteria provided, single submitter. Criteria: Invitae Variant Classification Sherloc (09022015). Collection method: clinical testing. Allele origin: germline.
Comment: This sequence change replaces glutamic acid, which is acidic and polar, with lysine, which is basic and polar, at codon 427 of the SLCO2A1 protein (p.Glu427Lys). This variant is present in population databases (rs377719582, gnomAD 0.01%). This missense change has been observed in individual(s) with hypertrophic osteoarthropathy (PMID: 24329728). In at least one individual the data is consistent with being in trans (on the opposite chromosome) from a pathogenic variant. ClinVar contains an entry for this variant (Variation ID: 1473592). Invitae Evidence Modeling of protein sequence and biophysical properties (such as structural, functional, and spatial information, amino acid conservation, physicochemical variation, residue mobility, and thermodynamic stability) indicates that this missense variant is not expected to disrupt SLCO2A1 protein function with a negative predictive value of 95%. In summary, the available evidence is currently insufficient to determine the role of this variant in disease. Therefore, it has been classified as a Variant of Uncertain Significance.

Literature cited by the submitters: PubMed 24329728.